The following is an entry in ClinVar:

ClinVar aggregate classification (germline): Uncertain significance. Review status: criteria provided, multiple submitters, no conflicts (2 of 4 stars). 6 submissions from 4 submitters: Uncertain significance (5). 1 of the submissions does not count toward it. Last evaluated 2023-11-04.

Conditions:
Retinitis pigmentosa 39 (RP39). Identifiers: Orphanet 791, MedGen C3151138, MONDO:0013436, OMIM 613809.
Usher syndrome type 2A. Also called: RETINAL DISEASE IN USHER SYNDROME TYPE IIA, MODIFIER OF; USHER SYNDROME, TYPE IIA. Identifiers: Orphanet 231178, Orphanet 886, MedGen C1848634, MONDO:0010169, OMIM 276901.
Retinitis pigmentosa (RP). Identifiers: Orphanet 791, MedGen C0035334, MeSH D012174, MONDO:0019200, OMIM 268000. Inheritance: Autosomal dominant, autosomal recessive and X linked inheritance.

Allele frequency attached by ClinVar (database versions not stated): gnomAD exomes 0.00001 and 0.00005; ExAC 0.00002; TOPMed 0.00005; gnomAD 0.00006; 1000 Genomes Project 0.00020; 1000 Genomes Project 30x 0.00031.
gnomAD v4.1: 83 of 1,613,752 alleles (0.0051%); highest among the groups gnomAD compares: Non-Finnish European, 0.0066%; no homozygotes.

Submissions (6):

Genome-Nilou Lab
Classification: Uncertain significance for Retinitis pigmentosa 39. Last evaluated: 2023-11-04. Review status: criteria provided, single submitter. Criteria: ACMG Guidelines, 2015. Collection method: clinical testing. Allele origin: germline. Affected: no.

Genome-Nilou Lab
Classification: Uncertain significance for Usher syndrome type 2A. Last evaluated: 2023-11-04. Review status: criteria provided, single submitter. Criteria: ACMG Guidelines, 2015. Collection method: clinical testing. Allele origin: germline. Affected: no.

Labcorp Genetics (formerly Invitae), Labcorp
Classification: Uncertain significance. Last evaluated: 2022-10-03. Review status: criteria provided, single submitter. Criteria: Invitae Variant Classification Sherloc (09022015). Collection method: clinical testing. Allele origin: germline.
Comment: This sequence change replaces aspartic acid, which is acidic and polar, with asparagine, which is neutral and polar, at codon 62 of the USH2A protein (p.Asp62Asn). This variant is present in population databases (rs567937233, gnomAD 0.003%). This variant has not been reported in the literature in individuals affected with USH2A-related conditions. ClinVar contains an entry for this variant (Variation ID: 853314). Advanced modeling of protein sequence and biophysical properties (such as structural, functional, and spatial information, amino acid conservation, physicochemical variation, residue mobility, and thermodynamic stability) performed at Invitae indicates that this missense variant is not expected to disrupt USH2A protein function. In summary, the available evidence is currently insufficient to determine the role of this variant in disease. Therefore, it has been classified as a Variant of Uncertain Significance.

Illumina Laboratory Services, Illumina
Classification: Uncertain significance for Retinitis pigmentosa. Last evaluated: 2018-01-13. Review status: criteria provided, single submitter. Criteria: ICSL Variant Classification Criteria 13 December 2019. Collection method: clinical testing. Allele origin: germline.

Illumina Laboratory Services, Illumina
Classification: Uncertain significance for Usher syndrome type 2A. Last evaluated: 2018-01-13. Review status: criteria provided, single submitter. Criteria: ICSL Variant Classification Criteria 13 December 2019. Collection method: clinical testing. Allele origin: germline.

Natera, Inc.
Classification: Uncertain significance for Usher syndrome type 2A. Last evaluated: 2020-09-16. Review status: no assertion criteria provided. Collection method: clinical testing. Allele origin: germline. Not counted in ClinVar's aggregate classification.

NM_206933.4(USH2A):c.184G>A (p.Asp62Asn)

Gene: USH2A (usherin; minus strand). Cytogenetic location: 1q41.
Variant type: single nucleotide variant.
Coding change: c.184G>A on transcript NM_206933.4 (MANE Select); coding-DNA position 184, G replaced by A.
Protein change: p.Asp62Asn; replaces aspartic acid 62 with asparagine.
Molecular consequence: missense variant.
Genome position (GRCh38, 1-based): chr1:216,422,153, C>T on the plus strand (G>A on the coding strand, the complement: USH2A is on the minus strand). VCF-style: chr1-216422153-C-T. GRCh37 (hg19) VCF-style: chr1-216595495-C-T.
Other names: c.184G>A, p.Asp62Asn (NM_007123.6); short protein forms D62N.
Identifiers: ClinVar variation 853314 (VCV000853314.10), dbSNP rs567937233, ClinGen allele CA1396847.